The following is an entry in ClinVar:

NM_032043.3(BRIP1):c.1301A>G (p.Asp434Gly)

Gene: BRIP1 (BRCA1 interacting DNA helicase 1; minus strand). Cytogenetic location: 17q23.2.
Variant type: single nucleotide variant.
Coding change: c.1301A>G on transcript NM_032043.3 (MANE Select); coding-DNA position 1301, A replaced by G.
Protein change: p.Asp434Gly; replaces aspartic acid 434 with glycine.
Molecular consequence: missense variant.
Genome position (GRCh38, 1-based): chr17:61,799,139, T>C on the plus strand (A>G on the coding strand, the complement: BRIP1 is on the minus strand). VCF-style: chr17-61799139-T-C. GRCh37 (hg19) VCF-style: chr17-59876500-T-C.
Other names: short protein forms D434G.
Identifiers: ClinVar variation 937774 (VCV000937774.14), dbSNP rs1567829117, ClinGen allele CA400483482.

ClinVar aggregate classification (germline): Uncertain significance. Review status: criteria provided, multiple submitters, no conflicts (2 of 4 stars). 3 submissions from 3 submitters: Uncertain significance (3). Last evaluated 2025-08-23.

Conditions:
Familial cancer of breast. Also called: hereditary breast carcinoma; BREAST CANCER, FAMILIAL; Hereditary breast cancer. Identifiers: Orphanet 227535, MedGen C0346153, MONDO:0016419, OMIM 114480. Disease mechanism: loss of function.
Fanconi anemia complementation group J. Also called: BRIP1-Related Fanconi Anemia. Identifiers: Orphanet 84, MedGen C1836860, MONDO:0012187, OMIM 609054.
Hereditary cancer-predisposing syndrome. Also called: Tumor predisposition; Hereditary neoplastic syndrome; Neoplastic Syndromes, Hereditary; Hereditary Cancer Syndrome. Identifiers: Orphanet 140162, MedGen C0027672, MeSH D009386, MONDO:0015356.

Allele frequency attached by ClinVar (database versions not stated): gnomAD exomes below 0.00001.
gnomAD v4.1: 2 of 1,613,690 alleles (0.00012%); highest among the groups gnomAD compares: Non-Finnish European, 0.00017%; no homozygotes.

Submissions (3):

Ambry Genetics
Classification: Uncertain significance for Hereditary cancer-predisposing syndrome. Last evaluated: 2025-08-23. Review status: criteria provided, single submitter. Criteria: Ambry Variant Classification Scheme 2023. Collection method: clinical testing. Allele origin: germline.

Labcorp Genetics (formerly Invitae), Labcorp
Classification: Uncertain significance for Familial cancer of breast; Fanconi anemia complementation group J. Last evaluated: 2024-08-12. Review status: criteria provided, single submitter. Criteria: Invitae Variant Classification Sherloc (09022015). Collection method: clinical testing. Allele origin: germline.
Comment: This sequence change replaces aspartic acid, which is acidic and polar, with glycine, which is neutral and non-polar, at codon 434 of the BRIP1 protein (p.Asp434Gly). This variant is not present in population databases (gnomAD no frequency). This variant has not been reported in the literature in individuals affected with BRIP1-related conditions. ClinVar contains an entry for this variant (Variation ID: 937774). Advanced modeling of protein sequence and biophysical properties (such as structural, functional, and spatial information, amino acid conservation, physicochemical variation, residue mobility, and thermodynamic stability) performed at Invitae indicates that this missense variant is not expected to disrupt BRIP1 protein function with a negative predictive value of 80%. In summary, the available evidence is currently insufficient to determine the role of this variant in disease. Therefore, it has been classified as a Variant of Uncertain Significance.

Department of Pathology and Laboratory Medicine, Sinai Health System
Classification: Uncertain significance for Familial cancer of breast. Last evaluated: 2022-11-28. Review status: criteria provided, single submitter. Criteria: ACMG Guidelines, 2015. Collection method: clinical testing. Allele origin: germline. Affected: yes.